The following is an entry in ClinVar:

ClinVar aggregate classification (germline): Uncertain significance. Review status: criteria provided, multiple submitters, no conflicts (2 of 4 stars). 2 submissions from 2 submitters: Uncertain significance (2). Last evaluated 2024-10-01.

Conditions:
Candidiasis, familial, 8 (CANDF8). Identifiers: Orphanet 1334, MedGen C3714992, MONDO:0014230, OMIM 615527.

Allele frequency attached by ClinVar (database versions not stated): gnomAD exomes below 0.00001 and 0.00001.
gnomAD v4.1: 2 of 1,518,126 alleles (0.00013%); highest among the groups gnomAD compares: African/African-American, 0.0014%; no homozygotes.

Submissions (2):

Ambry Genetics
Classification: Uncertain significance. Last evaluated: 2024-10-01. Review status: criteria provided, single submitter. Criteria: Ambry Variant Classification Scheme 2023. Collection method: clinical testing. Allele origin: germline.

Labcorp Genetics (formerly Invitae), Labcorp
Classification: Uncertain significance for Candidiasis, familial, 8. Last evaluated: 2022-09-01. Review status: criteria provided, single submitter. Criteria: Invitae Variant Classification Sherloc (09022015). Collection method: clinical testing. Allele origin: germline.
Comment: This sequence change replaces asparagine, which is neutral and polar, with serine, which is neutral and polar, at codon 254 of the TRAF3IP2 protein (p.Asn254Ser). In summary, the available evidence is currently insufficient to determine the role of this variant in disease. Therefore, it has been classified as a Variant of Uncertain Significance. Algorithms developed to predict the effect of sequence changes on RNA splicing suggest that this variant may create or strengthen a splice site. Algorithms developed to predict the effect of missense changes on protein structure and function output the following: SIFT: "Tolerated"; PolyPhen-2: "Benign"; Align-GVGD: "Class C0". The serine amino acid residue is found in multiple mammalian species, which suggests that this missense change does not adversely affect protein function. ClinVar contains an entry for this variant (Variation ID: 856196). This variant has not been reported in the literature in individuals affected with TRAF3IP2-related conditions. This variant is present in population databases (no rsID available, gnomAD 0.006%).

NM_147686.4(TRAF3IP2):c.761A>G (p.Asn254Ser)

Genes: TRAF3IP2 (TRAF3 interacting protein 2; minus strand), TRAF3IP2-AS1 (TRAF3IP2 antisense RNA 1; plus strand), LOC114803478 (TRAF3IP2 eExon liver enhancer; plus strand). Cytogenetic location: 6q21.
Variant type: single nucleotide variant.
Coding change: c.761A>G on transcript NM_147686.4 (MANE Select); coding-DNA position 761, A replaced by G.
Protein change: p.Asn254Ser; replaces asparagine 254 with serine.
Molecular consequence: missense variant.
Genome position (GRCh38, 1-based): chr6:111,591,326, T>C on the plus strand (A>G on the coding strand, the complement: TRAF3IP2 is on the minus strand). VCF-style: chr6-111591326-T-C. GRCh37 (hg19) VCF-style: chr6-111912529-T-C.
Other names: c.761A>G, p.Asn254Ser (NM_001164281.3); c.788A>G, p.Asn263Ser (NM_147200.3); c.761A>G (NM_147686.2); short protein forms N263S, N254S.
Identifiers: ClinVar variation 856196 (VCV000856196.8), dbSNP rs1463029619, ClinGen allele CA365365837.